The following is an entry in ClinVar:

NM_182961.4(SYNE1):c.14951G>C (p.Arg4984Thr)

Gene: SYNE1 (spectrin repeat containing nuclear envelope protein 1; minus strand). Cytogenetic location: 6q25.2.
Variant type: single nucleotide variant.
Coding change: c.14951G>C on transcript NM_182961.4 (MANE Select); coding-DNA position 14951, G replaced by C.
Protein change: p.Arg4984Thr; replaces arginine 4984 with threonine.
Molecular consequence: missense variant.
Genome position (GRCh38, 1-based): chr6:152,329,734, C>G on the plus strand (G>C on the coding strand, the complement: SYNE1 is on the minus strand). VCF-style: chr6-152329734-C-G. GRCh37 (hg19) VCF-style: chr6-152650869-C-G.
Other names: c.14738G>C, p.Arg4913Thr (NM_033071.5); short protein forms R4913T, R4984T.
Identifiers: ClinVar variation 498217 (VCV000498217.16), dbSNP rs762212036, ClinGen allele CA4055914.

ClinVar aggregate classification (germline): Uncertain significance. Review status: criteria provided, multiple submitters, no conflicts (2 of 4 stars). 4 submissions from 4 submitters: Uncertain significance (4). Last evaluated 2022-05-29.

Conditions:
Emery-Dreifuss muscular dystrophy 4, autosomal dominant (EDMD4). Also called: EMERY-DREIFUSS MUSCULAR DYSTROPHY 4 WITH VARIABLE FEATURES. Identifiers: Orphanet 261, MedGen C2751807, MONDO:0013071, OMIM 612998.
Autosomal recessive ataxia, Beauce type. Also called: SYNE1-Related Autosomal Recessive Cerebellar Ataxia; Spinocerebellar ataxia, autosomal recessive 8; ATAXIA, RECESSIVE, OF BEAUCE; SYNE1 Deficiency. Identifiers: Orphanet 88644, MedGen C1853116, MONDO:0012549, OMIM 610743.

Allele frequency attached by ClinVar (database versions not stated): ExAC 0.00002; gnomAD 0.00002; gnomAD exomes 0.00002 and 0.00003; TOPMed 0.00002.
gnomAD v4.1: 45 of 1,614,036 alleles (0.0028%); highest among the groups gnomAD compares: Non-Finnish European, 0.0036%; no homozygotes.

Submissions (4):

Labcorp Genetics (formerly Invitae), Labcorp
Classification: Uncertain significance for Emery-Dreifuss muscular dystrophy 4, autosomal dominant; Autosomal recessive ataxia, Beauce type. Last evaluated: 2022-05-29. Review status: criteria provided, single submitter. Criteria: Invitae Variant Classification Sherloc (09022015). Collection method: clinical testing. Allele origin: germline.
Comment: This sequence change replaces arginine, which is basic and polar, with threonine, which is neutral and polar, at codon 4913 of the SYNE1 protein (p.Arg4913Thr). In summary, the available evidence is currently insufficient to determine the role of this variant in disease. Therefore, it has been classified as a Variant of Uncertain Significance. Algorithms developed to predict the effect of missense changes on protein structure and function (SIFT, PolyPhen-2, Align-GVGD) all suggest that this variant is likely to be disruptive. ClinVar contains an entry for this variant (Variation ID: 498217). This variant has not been reported in the literature in individuals affected with SYNE1-related conditions. This variant is present in population databases (rs762212036, gnomAD 0.01%).

Revvity Omics, Revvity
Classification: Uncertain significance. Last evaluated: 2021-02-14. Review status: criteria provided, single submitter. Criteria: ACMG Guidelines, 2015. Collection method: clinical testing. Allele origin: germline.

Athena Diagnostics
Classification: Uncertain significance. Last evaluated: 2020-03-09. Review status: criteria provided, single submitter. Criteria: Athena Diagnostics Criteria. Collection method: clinical testing. Allele origin: unknown.

Eurofins Ntd Llc (ga)
Classification: Uncertain significance. Last evaluated: 2016-10-28. Review status: criteria provided, single submitter. Criteria: EGL Classification Definitions 2015. Collection method: clinical testing. Allele origin: germline. Observed: 1 variant allele, 1 heterozygote.